The following is an entry in ClinVar:

ClinVar aggregate classification (germline): Conflicting classifications of pathogenicity. Review status: criteria provided, conflicting classifications (1 of 4 stars). 2 submissions from 2 submitters: Uncertain significance (1); Likely benign (1). Last evaluated 2024-11-26.

Conditions:
Vascular parkinsonism. Identifiers: MedGen C0393568, MONDO:0956980.
Parkinson disease (PD). Identifiers: MedGen C0030567, MeSH D010300, MONDO:0005180.
Parkinsonian disorder. Also called: Parkinsonism. Identifiers: MedGen C0242422, MONDO:0021095, HP:0001300.

gnomAD v4.1: 44 of 1,613,584 alleles (0.0027%); highest among the groups gnomAD compares: South Asian, 0.027%; no homozygotes.

Submissions (2):

Athena Diagnostics
Classification: Likely benign. Last evaluated: 2024-11-26. Review status: criteria provided, single submitter. Criteria: Athena Diagnostics Criteria. Collection method: clinical testing. Allele origin: unknown.

The Egyptian Network for Neurodegenerative Diseases (ENND), The American University in Cairo
Classification: Uncertain significance for Vascular parkinsonism; Parkinsonian disorder; Parkinson disease. Last evaluated: 2024-10-01. Review status: criteria provided, single submitter. Criteria: ACMG Guidelines, 2015. Collection method: research. Allele origin: germline. Affected: yes.
Comment: This rare variant (MAF 0 in 1000 Genomes /0.0000323 in gnomAD) is currently classified as uncertain significance variant based on ACMG criteria. same variant, p.R767H, was previously reported in Taiwanese idiopathic PD patients and was functionally characterized as one of 23 LRRK2 activating mutations by destabilizing the ANK:CH (ankyrin: c-terminal helix) interface. The high kinase activity observed in LRRK2-activating pathogenic mutatants is associated with pathological features of PD/parkinsonism (PMID:35950872).The CADD score is 21.6, supporting potential deleteriousness.

Literature cited by the submitters: PubMed 24339985 (cited by Athena Diagnostics); PubMed 27423549 (cited by Athena Diagnostics); PubMed 35861376 (cited by Athena Diagnostics); PubMed 32740907 (cited by Athena Diagnostics); PubMed 35950872 (cited by Athena Diagnostics and The Egyptian Network for Neurodegenerative Diseases (ENND), The American University in Cairo); PubMed 33001463 (cited by Athena Diagnostics); PubMed 40786864 (cited by The Egyptian Network for Neurodegenerative Diseases (ENND), The American University in Cairo).

NM_198578.4(LRRK2):c.2300G>A (p.Arg767His)

Gene: LRRK2 (leucine rich repeat kinase 2; plus strand). Cytogenetic location: 12q12.
Variant type: single nucleotide variant.
Coding change: c.2300G>A on transcript NM_198578.4 (MANE Select); coding-DNA position 2300, G replaced by A.
Protein change: p.Arg767His; replaces arginine 767 with histidine.
Molecular consequence: missense variant.
Genome position (GRCh38, 1-based): chr12:40,283,933, G>A. VCF-style: chr12-40283933-G-A. GRCh37 (hg19) VCF-style: chr12-40677735-G-A.
Other names: short protein forms R767H.
Identifiers: ClinVar variation 3571549 (VCV003571549.2).
Genomic context (GRCh38, chr12:40,283,933, plus strand): 5'-AGGTATGTGAGAAAGAGAGCAGTCCCAAATTGGTGGAACTCTTACTGAATAGTGGATCTC[G>A]TGAACAAGATGTACGAAAAGCGTTGACGATAAGCATTGGGAAAGGTGACAGCCAGATCAT-3'
Protein context (NP_940980.4, residues 757-777): LVELLLNSGS[Arg767His]EQDVRKALTI